The following is an entry in ClinVar:

ClinVar aggregate classification (germline): Uncertain significance (1 of 4 stars; one submission).

gnomAD v4.1: 1 of 1,606,340 alleles (0.000062%); highest among the groups gnomAD compares: Non-Finnish European, 0.000085%; no homozygotes.

Submission:

Women's Health and Genetics/Laboratory Corporation of America, LabCorp
Classification: Uncertain significance. Last evaluated: 2025-01-17. Review status: criteria provided, single submitter. Criteria: LabCorp Variant Classification Summary - May 2015. Collection method: clinical testing. Allele origin: germline.
Comment: Variant summary: RYR1 c.13462C>T (p.Pro4488Ser) results in a non-conservative amino acid change in the encoded protein sequence. Four of five in-silico tools predict a benign effect of the variant on protein function. The variant was absent in 235210 control chromosomes. The available data on variant occurrences in the general population are insufficient to allow any conclusion about variant significance. To our knowledge, no occurrence of c.13462C>T in individuals affected with Congenital multicore myopathy with external ophthalmoplegia and no experimental evidence demonstrating its impact on protein function have been reported. No submitters have cited clinical-significance assessments for this variant to ClinVar. Based on the evidence outlined above, the variant was classified as uncertain significance.

NM_000540.3(RYR1):c.13462C>T (p.Pro4488Ser)

Gene: RYR1 (ryanodine receptor 1; plus strand). Cytogenetic location: 19q13.2.
Variant type: single nucleotide variant.
Coding change: c.13462C>T on transcript NM_000540.3 (MANE Select); coding-DNA position 13462, C replaced by T.
Protein change: p.Pro4488Ser; replaces proline 4488 with serine.
Molecular consequence: missense variant.
Genome position (GRCh38, 1-based): chr19:38,566,935, C>T. VCF-style: chr19-38566935-C-T. GRCh37 (hg19) VCF-style: chr19-39057575-C-T.
Other names: c.13447C>T, p.Pro4483Ser (NM_001042723.2); short protein forms P4483S, P4488S.
Identifiers: ClinVar variation 3769550 (VCV003769550.2).